The following is an entry in ClinVar:

NM_000257.4(MYH7):c.4901G>A (p.Arg1634His)

Genes: MHRT (myosin heavy chain associated RNA transcript; plus strand), MYH7 (myosin heavy chain 7; minus strand), LOC126861897 (BRD4-independent group 4 enhancer GRCh37_chr14:23884455-23885654; plus strand). Cytogenetic location: 14q11.2.
Variant type: single nucleotide variant.
Coding change: c.4901G>A on transcript NM_000257.4 (MANE Select); coding-DNA position 4901, G replaced by A.
Protein change: p.Arg1634His; replaces arginine 1634 with histidine.
Molecular consequence: missense variant. On other transcripts: non-coding transcript variant (1).
Genome position (GRCh38, 1-based): chr14:23,416,056, C>T on the plus strand (G>A on the coding strand, the complement: MYH7 is on the minus strand). VCF-style: chr14-23416056-C-T. GRCh37 (hg19) VCF-style: chr14-23885265-C-T.
Other names: c.4901G>A (LRG_384t1); short protein forms R1634H.
Identifiers: ClinVar variation 222730 (VCV000222730.25), dbSNP rs545875689, ClinGen allele CA077498.

ClinVar aggregate classification (germline): Uncertain significance. Review status: criteria provided, multiple submitters, no conflicts (2 of 4 stars). 11 submissions from 11 submitters: Uncertain significance (11). Last evaluated 2025-12-05.

Conditions:
Cardiomyopathy (CMYO). Also called: Cardiomyopathies. Identifiers: Orphanet 167848, MedGen C0878544, MONDO:0004994, HP:0001638. Inheritance: Various modes of inheritance.
MYH7-related skeletal myopathy. Also called: Laing distal myopathy; MYOPATHY, DISTAL, EARLY-ONSET, AUTOSOMAL DOMINANT; MYOPATHY, LATE DISTAL HEREDITARY; Laing early-onset distal myopathy; Myopathy, distal, 1. Identifiers: Orphanet 59135, MedGen C4552004, MONDO:0008050, OMIM 160500.
Dilated cardiomyopathy 1S (CMD1S). Identifiers: Orphanet 154, Orphanet 54260, MedGen C1834481, MONDO:0013262, OMIM 613426.
Congenital myopathy with fiber type disproportion. Also called: Congenital fiber-type disproportion myopathy; Congenital fiber-type disproportion. Identifiers: Orphanet 2020, MedGen C0546264, MONDO:0009711. Inheritance: all.
Myopathy, myosin storage, autosomal recessive (CMYO7B). Also called: CONGENITAL MYOPATHY 7B, MYOSIN STORAGE, AUTOSOMAL RECESSIVE. Identifiers: Orphanet 636970, MedGen C1850709, MONDO:0009708, OMIM 255160.
Myosin storage myopathy (CMYO7A). Also called: SCAPULOPERONEAL MUSCULAR DYSTROPHY; SCAPULOPERONEAL SYNDROME, MYOPATHIC TYPE; Scapuloperoneal myopathy, MYH7-related; MYOPATHY WITH LYSIS OF TYPE I MYOFIBRILS; MYH7-related late-onset scapuloperoneal muscular dystrophy; Congenital myopathy 7A, myosin storage, autosomal dominant. Identifiers: Orphanet 437572, Orphanet 636965, MedGen C1842160, MONDO:0008409, OMIM 608358.
Hypertrophic cardiomyopathy 1 (CMH1). Also called: MYH7-Related Familial Hypertrophic Cardiomyopathy; Familial hypertrophic cardiomyopathy 1. Identifiers: MedGen C3495498, MONDO:0008647, OMIM 192600.
Cardiovascular phenotype. Identifiers: MedGen CN230736.
Hypertrophic cardiomyopathy. Also called: HYPERTROPHIC MYOCARDIOPATHY. Identifiers: Orphanet 217569, MedGen C0007194, MeSH D002312, MONDO:0005045, HP:0001639.

Allele frequency attached by ClinVar (database versions not stated): gnomAD exomes below 0.00001 and 0.00001; gnomAD 0.00001; 1000 Genomes Project 30x 0.00016; 1000 Genomes Project 0.00020.
gnomAD v4.1: 16 of 1,614,196 alleles (0.00099%); highest among the groups gnomAD compares: East Asian, 0.0045%; no homozygotes.

Submissions (11):

Victorian Clinical Genetics Services, Murdoch Childrens Research Institute
Classification: Uncertain significance for MYH7-related skeletal myopathy. Last evaluated: 2025-12-05. Review status: criteria provided, single submitter. Criteria: ACMG Guidelines, 2015. Collection method: clinical testing. Allele origin: germline. Affected: yes.
Comment: This variant is classified as VUS-3A. Evidence in support of pathogenic classification: Variant is present in gnomAD <0.01 (v4: 16 heterozygote(s), 0 homozygote(s)). - Missense variant predicted to be damaging by in silico tool(s) or highly conserved with a major amino acid change. Additional information: Variant is predicted to result in a missense amino acid change from Arg to His; This variant is heterozygous; This gene is associated with both recessive and dominant disease. This gene usually has autosomal dominant inheritance; however, a recessive inheritance pattern has been observed in severe cases (OMIM); Alternative amino acid change(s) at the same position are present in gnomAD (highest allele count: v4: 22 heterozygote(s), 0 homozygote(s)). - Previous evidence of pathogenicity for this variant is inconclusive. This variant has been classified as a VUS by multiple clinical laboratories in ClinVar. It has also been reported in the literature in an individual with HCM, however that individual was also heterozygous for VUS variants in four other genes (PMID: 30775854); No published evidence of segregation with disease has been identified for this variant; No published functional evidence has been identified for this variant; Other missense variants comparable to the one identified in this case have inconclusive previous evidence for pathogenicity. The p.(Arg1634Cys) variant has been reported in the literature in an individual with dilated cardiomyopathy (PMID: 15769782). The p.(Arg1634Leu) variant has been reported in the literature in an individual with neuromuscular disease (PMID: 32528171). The p.(Arg1634Pro) variant has been reported in the literature in an individual with Laing distal myopathy who had no cardiac involvement (PMID: 39448255). In addition, the p.(Arg1634Cys), p.(Arg1634Leu) and p.(Arg1634Ser) variants have been classified as a VUS by multiple clinical laboratories in ClinVar; Variant is located in the annotated myosin tail domain (DECIPHER); The mechanism of disease for this gene is not clearly established; however, missense variants have been proposed to act in a dominant negative manner (PMID: 24714796); The condition associated with this gene has incomplete penetrance (PMID: 29300372).

Blueprint Genetics
Classification: Uncertain significance. Last evaluated: 2024-09-03. Review status: criteria provided, single submitter. Criteria: ACMG Guidelines, 2015. Collection method: clinical testing. Allele origin: germline.

Labcorp Genetics (formerly Invitae), Labcorp
Classification: Uncertain significance for Hypertrophic cardiomyopathy. Last evaluated: 2024-05-24. Review status: criteria provided, single submitter. Criteria: Invitae Variant Classification Sherloc (09022015). Collection method: clinical testing. Allele origin: germline.
Comment: This sequence change replaces arginine, which is basic and polar, with histidine, which is basic and polar, at codon 1634 of the MYH7 protein (p.Arg1634His). This variant is not present in population databases (gnomAD no frequency). This variant has not been reported in the literature in individuals affected with MYH7-related conditions. ClinVar contains an entry for this variant (Variation ID: 222730). Advanced modeling of protein sequence and biophysical properties (such as structural, functional, and spatial information, amino acid conservation, physicochemical variation, residue mobility, and thermodynamic stability) performed at Invitae indicates that this missense variant is expected to disrupt MYH7 protein function with a positive predictive value of 95%. In summary, the available evidence is currently insufficient to determine the role of this variant in disease. Therefore, it has been classified as a Variant of Uncertain Significance.

All of Us Research Program, National Institutes of Health
Classification: Uncertain significance for Cardiomyopathy. Last evaluated: 2023-12-13. Review status: criteria provided, single submitter. Criteria: ACMG Guidelines, 2015. Collection method: clinical testing. Allele origin: germline. Inheritance: Autosomal dominant inheritance. Observed: 3 variant alleles, 3 heterozygotes.
Comment: This missense variant replaces arginine with histidine at codon 1634 of the MYH7 protein. Computational prediction suggests that this variant may have a deleterious impact on protein structure and function (internally defined REVEL score threshold >= 0.7, PMID: 27666373). To our knowledge, functional studies have not been reported for this variant. This variant has been reported in an individual affected with hypertrophic cardiomyopathy (PMID: 30775854). This variant has been identified in 1/251442 chromosomes in the general population by the Genome Aggregation Database (gnomAD). The available evidence is insufficient to determine the role of this variant in disease conclusively. Therefore, this variant is classified as a Variant of Uncertain Significance.

This study involves interpretation of variants in research participants for the purpose of population health screening. Participant phenotype was not available at the time of variant classification. Additional details can be found in publication PMID: 35346344, PMCID: PMC8962531

Color Diagnostics, LLC DBA Color Health
Classification: Uncertain significance for Cardiomyopathy. Last evaluated: 2023-07-25. Review status: criteria provided, single submitter. Criteria: ACMG Guidelines, 2015. Collection method: clinical testing. Allele origin: germline.
Comment: This missense variant replaces arginine with histidine at codon 1634 of the MYH7 protein. Computational prediction suggests that this variant may have a deleterious impact on protein structure and function (internally defined REVEL score threshold >= 0.7, PMID: 27666373). To our knowledge, functional studies have not been reported for this variant. This variant has been reported in an individual affected with hypertrophic cardiomyopathy (PMID: 30775854). This variant has been identified in 1/251442 chromosomes in the general population by the Genome Aggregation Database (gnomAD). The available evidence is insufficient to determine the role of this variant in disease conclusively. Therefore, this variant is classified as a Variant of Uncertain Significance.

AiLife Diagnostics
Classification: Uncertain significance. Last evaluated: 2022-01-25. Review status: criteria provided, single submitter. Criteria: ACMG Guidelines, 2015. Collection method: clinical testing. Allele origin: germline. Affected: yes. Observed: 1 variant allele.

Revvity Omics, Revvity
Classification: Uncertain significance. Last evaluated: 2022-01-03. Review status: criteria provided, single submitter. Criteria: ACMG Guidelines, 2015. Collection method: clinical testing. Allele origin: germline.

GeneDx
Classification: Uncertain significance. Last evaluated: 2021-11-22. Review status: criteria provided, single submitter. Criteria: GeneDx Variant Classification Process June 2021. Collection method: clinical testing. Allele origin: germline. Affected: yes.
Comment: Not observed at significant frequency in large population cohorts (Lek et al., 2016); In silico analysis supports that this missense variant has a deleterious effect on protein structure/function; Has not been previously published as pathogenic or benign to our knowledge

Fulgent Genetics
Classification: Uncertain significance for MYH7-related skeletal myopathy; Myosin storage myopathy; Hypertrophic cardiomyopathy 1; Myopathy, myosin storage, autosomal recessive; Congenital myopathy 4A, autosomal dominant; Dilated cardiomyopathy 1S. Last evaluated: 2021-08-13. Review status: criteria provided, single submitter. Criteria: ACMG Guidelines, 2015. Collection method: clinical testing. Allele origin: unknown.

Ambry Genetics
Classification: Uncertain significance for Cardiovascular phenotype. Last evaluated: 2020-10-13. Review status: criteria provided, single submitter. Criteria: Ambry Variant Classification Scheme 2023. Collection method: clinical testing. Allele origin: germline.
Comment: The p.R1634H variant (also known as c.4901G>A), located in coding exon 32 of the MYH7 gene, results from a G to A substitution at nucleotide position 4901. The arginine at codon 1634 is replaced by histidine, an amino acid with highly similar properties. This amino acid position is highly conserved in available vertebrate species. In addition, this alteration is predicted to be deleterious by in silico analysis. Since supporting evidence is limited at this time, the clinical significance of this alteration remains unclear.

Baylor Genetics
Classification: Uncertain significance for Dilated cardiomyopathy 1S. Last evaluated: 2019-08-30. Review status: criteria provided, single submitter. Criteria: ACMG Guidelines, 2015. Collection method: clinical testing. Allele origin: unknown. Affected: yes.
Comment: This variant was determined to be of uncertain significance according to ACMG Guidelines, 2015 [PMID:25741868].

Literature cited by the submitters: PubMed 29300372 (cited by Victorian Clinical Genetics Services, Murdoch Childrens Research Institute); PubMed 15769782 (cited by Victorian Clinical Genetics Services, Murdoch Childrens Research Institute); PubMed 30775854 (cited by 3 submitters); PubMed 32528171 (cited by Victorian Clinical Genetics Services, Murdoch Childrens Research Institute); PubMed 39448255 (cited by Victorian Clinical Genetics Services, Murdoch Childrens Research Institute); PubMed 24714796 (cited by Victorian Clinical Genetics Services, Murdoch Childrens Research Institute).